The following is an entry in ClinVar:

NM_001005361.3(DNM2):c.915G>A (p.Leu305=)

Gene: DNM2 (dynamin 2; plus strand). Cytogenetic location: 19p13.2.
Variant type: single nucleotide variant.
Coding change: c.915G>A on transcript NM_001005361.3 (MANE Select); coding-DNA position 915, G replaced by A.
Protein change: p.Leu305=; no amino-acid change (leucine 305 retained).
Molecular consequence: synonymous variant.
Genome position (GRCh38, 1-based): chr19:10,786,629, G>A. VCF-style: chr19-10786629-G-A. GRCh37 (hg19) VCF-style: chr19-10897305-G-A.
Other names: c.915G>A, p.Leu305= (NM_001005360.3, NM_001005362.3, NM_001190716.2 and 1 more transcripts).
Identifiers: ClinVar variation 1581802 (VCV001581802.22), dbSNP rs773624569, ClinGen allele CA9200930.
Genomic context (GRCh38, chr19:10,786,629, plus strand): 5'-GACCAACCACATCCGGGAGTCGCTGCCGGCCCTACGTAGCAAACTACAGAGCCAGCTGCT[G>A]TCCCTGGAGAAGGAGGTGGAGGAGTACAAGAACTTTCGGCCCGACGACCCCACCCGCAAA-3'
Protein context (NP_001005361.1, residues 295-315): ALRSKLQSQL[Leu305=]SLEKEVEEYK

ClinVar aggregate classification (germline): Likely benign. Review status: criteria provided, multiple submitters, no conflicts (2 of 4 stars). 2 submissions from 2 submitters: Likely benign (2). Last evaluated 2025-10-17.

Conditions:
Charcot-Marie-Tooth disease dominant intermediate B (CMTDIB). Also called: Charcot-Marie-Tooth disease dominant intermediate 1; CMT DI1; Charcot-Marie-Tooth disease dominant intermediate I; CHARCOT-MARIE-TOOTH NEUROPATHY, DOMINANT INTERMEDIATE B. Identifiers: Orphanet 100044, Orphanet 228179, MedGen C1847902, MONDO:0011674, OMIM 606482.

Allele frequency attached by ClinVar (database versions not stated): TOPMed below 0.00001; gnomAD exomes 0.00001; ExAC 0.00002.
gnomAD v4.1: 14 of 1,614,172 alleles (0.00087%); highest among the groups gnomAD compares: Non-Finnish European, 0.0011%; no homozygotes.

Submissions (2):

Labcorp Genetics (formerly Invitae), Labcorp
Classification: Likely benign for Charcot-Marie-Tooth disease dominant intermediate B. Last evaluated: 2025-10-17. Review status: criteria provided, single submitter. Criteria: Invitae Variant Classification Sherloc (09022015). Collection method: clinical testing. Allele origin: germline.

CeGaT Center for Human Genetics Tuebingen
Classification: Likely benign. Last evaluated: 2025-10-01. Review status: criteria provided, single submitter. Criteria: CeGaT Center For Human Genetics Tuebingen Variant Classification Criteria Version 2. Collection method: clinical testing. Allele origin: germline. Affected: yes. Observed: 1 variant allele.
Comment: DNM2: BP4, BP7